The following is an entry in ClinVar:

NM_015100.4(POGZ):c.2504T>G (p.Val835Gly)

Gene: POGZ (pogo transposable element derived with ZNF domain; minus strand). Cytogenetic location: 1q21.3.
Variant type: single nucleotide variant.
Coding change: c.2504T>G on transcript NM_015100.4 (MANE Select); coding-DNA position 2504, T replaced by G.
Protein change: p.Val835Gly; replaces valine 835 with glycine.
Molecular consequence: missense variant.
Genome position (GRCh38, 1-based): chr1:151,406,952, A>C on the plus strand (T>G on the coding strand, the complement: POGZ is on the minus strand). VCF-style: chr1-151406952-A-C. GRCh37 (hg19) VCF-style: chr1-151379428-A-C.
Other names: c.2477T>G, p.Val826Gly (NM_001194937.2); c.2318T>G, p.Val773Gly (NM_001194938.2); c.2525T>G, p.Val842Gly (NM_001410860.1); c.2219T>G, p.Val740Gly (NM_145796.4); c.2345T>G, p.Val782Gly (NM_207171.2); short protein forms V740G, V773G, V835G, V842G, V826G, V782G.
Identifiers: ClinVar variation 2559935 (VCV002559935.3), dbSNP rs1179290120, ClinGen allele CA341953065.

ClinVar aggregate classification (germline): Uncertain significance. Review status: criteria provided, multiple submitters, no conflicts (2 of 4 stars). 2 submissions from 2 submitters: Uncertain significance (2). Last evaluated 2023-06-13.

Conditions:
Inborn genetic diseases. Identifiers: MedGen C0950123, MeSH D030342.
Intellectual disability-microcephaly-strabismus-behavioral abnormalities syndrome. Also called: White-Sutton Syndrome. Identifiers: Orphanet 468678, MedGen C4225351, MONDO:0014606, OMIM 616364.

Allele frequency attached by ClinVar (database versions not stated): gnomAD 0.00001.
gnomAD v4.1: 1 of 1,613,986 alleles (0.000062%); highest among the groups gnomAD compares: Non-Finnish European, 0.000085%; no homozygotes.

Submissions (2):

Ambry Genetics
Classification: Uncertain significance for Inborn genetic diseases. Last evaluated: 2023-06-13. Review status: criteria provided, single submitter. Criteria: Ambry Variant Classification Scheme 2023. Collection method: clinical testing. Allele origin: germline.

Pittsburgh Clinical Genomics Laboratory, University of Pittsburgh Medical Center
Classification: Uncertain significance for Intellectual disability-microcephaly-strabismus-behavioral abnormalities syndrome. Last evaluated: 2022-12-23. Review status: criteria provided, single submitter. Criteria: ACMG Guidelines, 2015. Collection method: clinical testing. Allele origin: germline. Inheritance: Autosomal dominant inheritance. Affected: yes.
Comment: This sequence variant is a single nucleotide substitution (T>G) at coding position 2504 of the POGZ gene that results in a valine to glycine amino acid change at residue 835 of the POGZ protein. This variant has not been previously reported to databases of clinically relevant variants (ClinVar) or observed in the literature in individuals with POGZ-related illness, to our knowledge. This variant is present in the gnomAD population database (1 of 31400 alleles or 0.003%). Bioinformatic tools predict that this variant would be damaging, and the Val835 residue is highly conserved across the mammalian species examined. Functiol studies testing the effect of this variant have not been performed, to our knowledge. At this time, there is insufficient evidence to determine if this variant is pathogenic or benign. Therefore, we consider this to be a variant of uncertain significance. ACMG Criteria: BP5, PM2